The following is an entry in ClinVar:

NM_002180.3(IGHMBP2):c.2260G>A (p.Asp754Asn)

Gene: IGHMBP2 (immunoglobulin mu DNA binding protein 2; plus strand). Cytogenetic location: 11q13.3.
Variant type: single nucleotide variant.
Coding change: c.2260G>A on transcript NM_002180.3 (MANE Select); coding-DNA position 2260, G replaced by A.
Protein change: p.Asp754Asn; replaces aspartic acid 754 with asparagine.
Molecular consequence: missense variant.
Genome position (GRCh38, 1-based): chr11:68,936,740, G>A. VCF-style: chr11-68936740-G-A. GRCh37 (hg19) VCF-style: chr11-68704208-G-A.
Other names: short protein forms D754N.
Identifiers: ClinVar variation 439816 (VCV000439816.19), dbSNP rs200499838, ClinGen allele CA6153868.

ClinVar aggregate classification (germline): Conflicting classifications of pathogenicity. Review status: criteria provided, conflicting classifications (1 of 4 stars). 4 submissions from 4 submitters: Uncertain significance (3); Likely benign (1). Last evaluated 2026-04-02.

Conditions:
Inborn genetic diseases. Identifiers: MedGen C0950123, MeSH D030342.
Charcot-Marie-Tooth disease axonal type 2S. Also called: CHARCOT-MARIE-TOOTH NEUROPATHY, TYPE 2S; CHARCOT-MARIE-TOOTH DISEASE, AXONAL, AUTOSOMAL RECESSIVE, TYPE 2S. Identifiers: Orphanet 443073, MedGen C4015349, MONDO:0014511, OMIM 616155.
Autosomal recessive distal spinal muscular atrophy 1. Also called: NEURONOPATHY, SEVERE INFANTILE AXONAL, WITH RESPIRATORY FAILURE; SEVERE INFANTILE AXONAL NEUROPATHY WITH RESPIRATORY FAILURE; SPINAL MUSCULAR ATROPHY, DIAPHRAGMATIC; Spinal muscular atrophy with respiratory distress 1; HMN VI; NEURONOPATHY, DISTAL HEREDITARY MOTOR, HARDING TYPE VI. Identifiers: Orphanet 98920, MedGen C1858517, MONDO:0011436, OMIM 604320.

Allele frequency attached by ClinVar (database versions not stated): gnomAD 0.00001 and 0.00002; TOPMed 0.00002; ESP Exome Variant Server 0.00008; ExAC 0.00028; gnomAD exomes 0.00006 and 0.00014.
gnomAD v4.1: 107 of 1,614,024 alleles (0.0066%); highest among the groups gnomAD compares: Non-Finnish European, 0.0072%; 1 homozygote.

Submissions (4):

GeneDx
Classification: Uncertain significance. Last evaluated: 2026-04-02. Review status: criteria provided, single submitter. Criteria: GeneDx Variant Classification Process June 2021. Collection method: clinical testing. Allele origin: germline.
Comment: In silico analysis suggests that this missense variant does not alter protein structure/function; Has not been previously published as pathogenic or benign to our knowledge

Labcorp Genetics (formerly Invitae), Labcorp
Classification: Likely benign for Autosomal recessive distal spinal muscular atrophy 1; Charcot-Marie-Tooth disease axonal type 2S. Last evaluated: 2024-02-16. Review status: criteria provided, single submitter. Criteria: Invitae Variant Classification Sherloc (09022015). Collection method: clinical testing. Allele origin: germline.

Ambry Genetics
Classification: Uncertain significance for Inborn genetic diseases. Last evaluated: 2021-12-03. Review status: criteria provided, single submitter. Criteria: Ambry Variant Classification Scheme 2023. Collection method: clinical testing. Allele origin: germline.
Comment: The p.D754N variant (also known as c.2260G>A), located in coding exon 13 of the IGHMBP2 gene, results from a G to A substitution at nucleotide position 2260. The aspartic acid at codon 754 is replaced by asparagine, an amino acid with highly similar properties. This amino acid position is conserved. In addition, this alteration is predicted to be tolerated by in silico analysis. Since supporting evidence is limited at this time, the clinical significance of this alteration remains unclear.

ARUP Laboratories, Molecular Genetics and Genomics, ARUP Laboratories
Classification: Uncertain significance. Last evaluated: 2016-08-09. Review status: criteria provided, single submitter. Criteria: ARUP Molecular Germline Variant Investigation Process. Collection method: clinical testing. Allele origin: germline.